The following is an entry in ClinVar:

NM_001130004.2(ACTN1):c.2585A>C (p.Lys862Thr)

Gene: ACTN1 (actinin alpha 1; minus strand). Cytogenetic location: 14q24.1.
Variant type: single nucleotide variant.
Coding change: c.2585A>C on transcript NM_001130004.2 (MANE Select); coding-DNA position 2585, A replaced by C.
Protein change: p.Lys862Thr; replaces lysine 862 with threonine.
Molecular consequence: missense variant.
Genome position (GRCh38, 1-based): chr14:68,877,083, T>G on the plus strand (A>C on the coding strand, the complement: ACTN1 is on the minus strand). VCF-style: chr14-68877083-T-G. GRCh37 (hg19) VCF-style: chr14-69343800-T-G.
Other names: c.2519A>C, p.Lys840Thr (NM_001102.4, NM_001424012.1); c.2324A>C, p.Lys775Thr (NM_001424026.1, NM_001411036.1); c.2321A>C, p.Lys774Thr (NM_001424027.1); c.2309A>C, p.Lys770Thr (NM_001424028.1); c.2255A>C, p.Lys752Thr (NM_001424029.1); c.1694A>C, p.Lys565Thr (NM_001424030.1); c.2504A>C, p.Lys835Thr (NM_001130005.2, NM_001424014.1); c.2528A>C, p.Lys843Thr (NM_001411035.1); and 11 more; short protein forms K752T, K779T, K819T, K835T, K848T, K869T, K882T, K565T.
Identifiers: ClinVar variation 4001977 (VCV004001977.2).
Genomic context (GRCh38, chr14:68,877,083, plus strand): 5'-GATCACAGTCCAGCCAGTGCCTGCCACCCCAGCACAGTGCCCACCCATAGGACACCCACC[T>G]TGTCCCCAGCCAGGATCTTGAAGGAAGCCATGACTTGGTCTGCTGTATCTGTGTCGGCTG-3'
Protein context (NP_001123476.1, residues 852-872): MASFKILAGD[Lys862Thr]NYITMDELRR

ClinVar aggregate classification (germline): Uncertain significance. Review status: criteria provided, multiple submitters, no conflicts (2 of 4 stars). 2 submissions from 2 submitters: Uncertain significance (2). Last evaluated 2025-11-03.

Conditions:
Platelet-type bleeding disorder 15 (BDPLT15). Also called: MACROTHROMBOCYTOPENIA, AUTOSOMAL DOMINANT, ACTN1-RELATED. Identifiers: Orphanet 140957, MedGen C3554663, MONDO:0014078, OMIM 615193.
Inborn genetic diseases. Identifiers: MedGen C0950123, MeSH D030342.

gnomAD v4.1: 32 of 1,613,912 alleles (0.002%); highest among the groups gnomAD compares: Non-Finnish European, 0.0027%; no homozygotes.

Submissions (2):

Victorian Clinical Genetics Services, Murdoch Childrens Research Institute
Classification: Uncertain significance for Platelet-type bleeding disorder 15. Last evaluated: 2025-11-03. Review status: criteria provided, single submitter. Criteria: ACMG Guidelines, 2015. Collection method: clinical testing. Allele origin: germline. Affected: yes.
Comment: This variant is classified as VUS-3B. Evidence in support of pathogenic classification: Variant is present in gnomAD <0.001 for a dominant condition (v4: 32 heterozygote(s), 0 homozygote(s)); Missense variant predicted to be damaging by in silico tool(s) or highly conserved with a major amino acid change. Additional information: Variant is predicted to result in a missense amino acid change from Lys to Thr; This variant is heterozygous; This gene is associated with autosomal dominant disease; Previous evidence of pathogenicity for this variant is inconclusive. This variant has been classified as a variant of uncertain significance by one submitter in the Clinvar database. - No published evidence of segregation with disease has been identified for this variant; No published functional evidence has been identified for this variant; No comparable missense variants have previous evidence for pathogenicity; Variant is located in the annotated calcium sensing EF hand domain (DECIPHER); Loss of function and gain of function are known mechanisms of disease in this gene and are associated with platelet-type bleeding disorder 15 (MIM#615193) (PMIDs: 23434115, 30351444, 26879394, 31365757); Parental origin of the variant is unresolved.

Ambry Genetics
Classification: Uncertain significance for Inborn genetic diseases. Last evaluated: 2025-03-26. Review status: criteria provided, single submitter. Criteria: Ambry Variant Classification Scheme 2023. Collection method: clinical testing. Allele origin: germline.

Literature cited by the submitters: PubMed 30351444 (cited by Victorian Clinical Genetics Services, Murdoch Childrens Research Institute); PubMed 31365757 (cited by Victorian Clinical Genetics Services, Murdoch Childrens Research Institute); PubMed 23434115 (cited by Victorian Clinical Genetics Services, Murdoch Childrens Research Institute); PubMed 26879394 (cited by Victorian Clinical Genetics Services, Murdoch Childrens Research Institute).